The following is an entry in ClinVar:

ClinVar aggregate classification (germline): Uncertain significance (1 of 4 stars; one submission).

gnomAD v4.1: 20 of 1,613,020 alleles (0.0012%); highest among the groups gnomAD compares: South Asian, 0.0099%; no homozygotes.

Submission:

Labcorp Genetics (formerly Invitae), Labcorp
Classification: Uncertain significance. Last evaluated: 2022-06-29. Review status: criteria provided, single submitter. Criteria: Invitae Variant Classification Sherloc (09022015). Collection method: clinical testing. Allele origin: germline.
Comment: This sequence change replaces histidine, which is basic and polar, with glutamine, which is neutral and polar, at codon 109 of the SCO2 protein (p.His109Gln). This variant is present in population databases (rs75485962, gnomAD 0.01%). This variant has not been reported in the literature in individuals affected with SCO2-related conditions. Algorithms developed to predict the effect of missense changes on protein structure and function output the following: SIFT: "Tolerated"; PolyPhen-2: "Possibly Damaging"; Align-GVGD: "Class C0". The glutamine amino acid residue is found in multiple mammalian species, which suggests that this missense change does not adversely affect protein function. In summary, the available evidence is currently insufficient to determine the role of this variant in disease. Therefore, it has been classified as a Variant of Uncertain Significance.

NM_005138.3(SCO2):c.327C>G (p.His109Gln)

Genes: NCAPH2 (non-SMC condensin II complex subunit H2; plus strand), SCO2 (synthesis of cytochrome C oxidase 2; minus strand). Cytogenetic location: 22q13.33.
Variant type: single nucleotide variant.
Coding change: c.327C>G on transcript NM_005138.3 (MANE Select); coding-DNA position 327, C replaced by G.
Protein change: p.His109Gln; replaces histidine 109 with glutamine.
Molecular consequence: missense variant. On other transcripts: 3 prime UTR variant (2).
Genome position (GRCh38, 1-based): chr22:50,524,085, G>C on the plus strand (C>G on the coding strand, the complement: SCO2 is on the minus strand). VCF-style: chr22-50524085-G-C. GRCh37 (hg19) VCF-style: chr22-50962514-G-C.
Other names: c.*710G>C (NM_001185011.2, NM_152299.4); c.327C>G, p.His109Gln (NM_001169109.2, NM_001169110.1, NM_001169111.2); short protein forms H109Q.
Identifiers: ClinVar variation 1914988 (VCV001914988.2), dbSNP rs75485962, ClinGen allele CA10321234.